The following is an entry in ClinVar:

NM_001330588.2(TPP2):c.483C>G (p.Asn161Lys)

Gene: TPP2 (tripeptidyl peptidase 2; plus strand). Cytogenetic location: 13q33.1.
Variant type: single nucleotide variant.
Coding change: c.483C>G on transcript NM_001330588.2 (MANE Select); coding-DNA position 483, C replaced by G.
Protein change: p.Asn161Lys; replaces asparagine 161 with lysine.
Molecular consequence: missense variant. On other transcripts: non-coding transcript variant (1).
Genome position (GRCh38, 1-based): chr13:102,616,488, C>G. VCF-style: chr13-102616488-C-G. GRCh37 (hg19) VCF-style: chr13-103268838-C-G.
Other names: c.483C>G, p.Asn161Lys (NM_001367947.1, NM_003291.4); short protein forms N161K.
Identifiers: ClinVar variation 1368735 (VCV001368735.8), dbSNP rs539406402, ClinGen allele CA7037522.

ClinVar aggregate classification (germline): Uncertain significance (1 of 4 stars; one submission).

Conditions:
Evans syndrome, immunodeficiency, and premature immunosenescence associated with tripeptidyl-peptidase II deficiency. Identifiers: MedGen CN231723. Disease mechanism: loss of function.

Submission:

Labcorp Genetics (formerly Invitae), Labcorp
Classification: Uncertain significance for Evans syndrome, immunodeficiency, and premature immunosenescence associated with tripeptidyl-peptidase II deficiency. Last evaluated: 2024-01-02. Review status: criteria provided, single submitter. Criteria: Invitae Variant Classification Sherloc (09022015). Collection method: clinical testing. Allele origin: germline.
Comment: This sequence change replaces asparagine, which is neutral and polar, with lysine, which is basic and polar, at codon 161 of the TPP2 protein (p.Asn161Lys). This variant is present in population databases (rs539406402, gnomAD 0.003%). This variant has not been reported in the literature in individuals affected with TPP2-related conditions. ClinVar contains an entry for this variant (Variation ID: 1368735). An algorithm developed to predict the effect of missense changes on protein structure and function (PolyPhen-2) suggests that this variant is likely to be tolerated. In summary, the available evidence is currently insufficient to determine the role of this variant in disease. Therefore, it has been classified as a Variant of Uncertain Significance.